The following is an entry in ClinVar:

NM_001365999.1(SZT2):c.3374A>G (p.Tyr1125Cys)

Gene: SZT2 (SZT2 subunit of KICSTOR complex; plus strand). Cytogenetic location: 1p34.2.
Variant type: single nucleotide variant.
Coding change: c.3374A>G on transcript NM_001365999.1 (MANE Select); coding-DNA position 3374, A replaced by G.
Protein change: p.Tyr1125Cys; replaces tyrosine 1125 with cysteine.
Molecular consequence: missense variant.
Genome position (GRCh38, 1-based): chr1:43,427,120, A>G. VCF-style: chr1-43427120-A-G. GRCh37 (hg19) VCF-style: chr1-43892791-A-G.
Other names: c.3203A>G, p.Tyr1068Cys (NM_015284.4); short protein forms Y1125C, Y1068C.
Identifiers: ClinVar variation 941333 (VCV000941333.13), dbSNP rs372604291, ClinGen allele CA808968.
Genomic context (GRCh38, chr1:43,427,120, plus strand): 5'-TAGGTCTTCCTGAAACTCTCAAGCCTCTCATCTCTGCCCAGCCCCCTCAGTGGCGCTGCT[A>G]TGCAAGGCTTGTGAACCCCCAGCATGTGTTTCTGACTTTTCTCCCAGCTACCTTCTCAGG-3'
Protein context (NP_001352928.1, residues 1115-1135): ISAQPPQWRC[Tyr1125Cys]ARLVNPQHVF

ClinVar aggregate classification (germline): Uncertain significance. Review status: criteria provided, multiple submitters, no conflicts (2 of 4 stars). 4 submissions from 4 submitters: Uncertain significance (4). Last evaluated 2026-01-27.

Conditions:
Inborn genetic diseases. Identifiers: MedGen C0950123, MeSH D030342.
Developmental and epileptic encephalopathy, 18 (DEE18). Also called: Early infantile epileptic encephalopathy 18. Identifiers: Orphanet 369894, MedGen C3809624, MONDO:0014201, OMIM 615476.

Allele frequency attached by ClinVar (database versions not stated): TOPMed 0.00002; ExAC 0.00003; ESP Exome Variant Server 0.00008.
gnomAD v4.1: 20 of 1,614,170 alleles (0.0012%); highest among the groups gnomAD compares: Admixed American, 0.015%; no homozygotes.

Submissions (4):

GeneDx
Classification: Uncertain significance. Last evaluated: 2026-01-27. Review status: criteria provided, single submitter. Criteria: GeneDx Variant Classification Process June 2021. Collection method: clinical testing. Allele origin: germline. Affected: yes.
Comment: Not observed at significant frequency in large population cohorts (gnomAD); In silico analysis supports that this missense variant has a deleterious effect on protein structure/function; Has not been previously published as pathogenic or benign to our knowledge

Labcorp Genetics (formerly Invitae), Labcorp
Classification: Uncertain significance. Last evaluated: 2025-08-21. Review status: criteria provided, single submitter. Criteria: Invitae Variant Classification Sherloc (09022015). Collection method: clinical testing. Allele origin: germline.
Comment: This sequence change replaces tyrosine, which is neutral and polar, with cysteine, which is neutral and slightly polar, at codon 1068 of the SZT2 protein (p.Tyr1068Cys). This variant is present in population databases (rs372604291, gnomAD 0.01%). This variant has not been reported in the literature in individuals affected with SZT2-related conditions. ClinVar contains an entry for this variant (Variation ID: 941333). Invitae Evidence Modeling of protein sequence and biophysical properties (such as structural, functional, and spatial information, amino acid conservation, physicochemical variation, residue mobility, and thermodynamic stability) indicates that this missense variant is expected to disrupt SZT2 protein function with a positive predictive value of 80%. In summary, the available evidence is currently insufficient to determine the role of this variant in disease. Therefore, it has been classified as a Variant of Uncertain Significance.

Ambry Genetics
Classification: Uncertain significance for Inborn genetic diseases. Last evaluated: 2023-06-12. Review status: criteria provided, single submitter. Criteria: Ambry Variant Classification Scheme 2023. Collection method: clinical testing. Allele origin: germline.

Genome-Nilou Lab
Classification: Uncertain significance for Developmental and epileptic encephalopathy, 18. Last evaluated: 2023-04-11. Review status: criteria provided, single submitter. Criteria: ACMG Guidelines, 2015. Collection method: clinical testing. Allele origin: germline. Affected: no.